The following is an entry in ClinVar:

ClinVar aggregate classification (germline): Pathogenic (1 of 4 stars; one submission).

Conditions:
Hereditary cancer-predisposing syndrome. Also called: Neoplastic Syndromes, Hereditary; Tumor predisposition; Hereditary Cancer Syndrome; Hereditary neoplastic syndrome. Identifiers: Orphanet 140162, MedGen C0027672, MeSH D009386, MONDO:0015356.

Submission:

Ambry Genetics
Classification: Pathogenic for Hereditary cancer-predisposing syndrome. Last evaluated: 2024-07-03. Review status: criteria provided, single submitter. Criteria: Ambry Variant Classification Scheme 2023. Collection method: clinical testing. Allele origin: germline.
Comment: The c.961delG pathogenic mutation, located in coding exon 8 of the POT1 gene, results from a deletion of one nucleotide at nucleotide position 961, causing a translational frameshift with a predicted alternate stop codon (p.V321Yfs*6). This variant is considered to be rare based on population cohorts in the Genome Aggregation Database (gnomAD). This alteration is expected to result in loss of function by premature protein truncation or nonsense-mediated mRNA decay. As such, this alteration is interpreted as a disease-causing mutation.

NM_015450.3(POT1):c.961del (p.Val321fs)

Gene: POT1 (protection of telomeres 1; minus strand). Cytogenetic location: 7q31.33.
Variant type: Deletion.
Coding change: c.961del on transcript NM_015450.3 (MANE Select); coding-DNA position 961, one base deleted (G; older notation c.961delG).
Protein change: p.Val321fs; shifts the reading frame from valine 321.
Molecular consequence: frameshift variant. On other transcripts: non-coding transcript variant (3).
Genome position (GRCh38, 1-based): chr7:124,846,987, C deleted on the plus strand (G on the coding strand, the reverse complement: POT1 is on the minus strand). VCF-style (leftmost placement, unchanged base first): chr7-124846986-AC-A. GRCh37 (hg19) VCF-style: chr7-124487040-AC-A.
Other names: c.568del, p.Val190fs (NM_001042594.2); short protein forms V190fs, V321fs.
Identifiers: ClinVar variation 3423095 (VCV003423095.1).